The following is an entry in ClinVar:

NM_213655.5(WNK1):c.2414C>T (p.Pro805Leu)

Gene: WNK1 (WNK lysine deficient protein kinase 1; plus strand). Cytogenetic location: 12p13.33.
Variant type: single nucleotide variant.
Coding change: c.2414C>T on transcript NM_213655.5 (MANE Plus Clinical); coding-DNA position 2414, C replaced by T.
Protein change: p.Pro805Leu; replaces proline 805 with leucine.
Molecular consequence: missense variant. On other transcripts: intron variant (2).
Genome position (GRCh38, 1-based): chr12:867,885, C>T. VCF-style: chr12-867885-C-T. GRCh37 (hg19) VCF-style: chr12-977051-C-T.
Other names: c.2159C>T, p.Pro720Leu (NM_001184985.2); c.2140-3380C>T (NM_018979.4, NM_014823.3); c.2414C>T (NM_213655.4); short protein forms P720L, P805L.
Identifiers: ClinVar variation 1367556 (VCV001367556.7), dbSNP rs781318799, ClinGen allele CA6382172.
Genomic context (GRCh38, chr12:867,885, plus strand): 5'-TATGAATGTATGAATTACTTGTCTTATTCATGTTGATACAGCCTCAGTCCATGGCGCATC[C>T]GTGTGGGGGGACCCCAACATACCCAGAATCACAGATATTTTTCCCAACTATTCATGAACG-3'
Protein context (NP_998820.3, residues 795-815): FVSTPQSMAH[Pro805Leu]CGGTPTYPES

ClinVar aggregate classification (germline): Uncertain significance. Review status: criteria provided, multiple submitters, no conflicts (2 of 4 stars). 2 submissions from 2 submitters: Uncertain significance (2). Last evaluated 2025-06-15.

Conditions:
Inborn genetic diseases. Identifiers: MedGen C0950123, MeSH D030342.
Neuropathy, hereditary sensory and autonomic, type 2A (HSAN2A). Also called: ACROOSTEOLYSIS, GIACCAI TYPE; ACROOSTEOLYSIS, NEUROGENIC; MORVAN DISEASE; NEUROPATHY, CONGENITAL SENSORY; NEUROPATHY, HEREDITARY SENSORY RADICULAR, AUTOSOMAL RECESSIVE; NEUROPATHY, HEREDITARY SENSORY, TYPE IIA. Identifiers: Orphanet 970, MedGen C2752089, MONDO:0024309, OMIM 201300.
Pseudohypoaldosteronism type 2C (PHA2C). Also called: Pseudohypoaldosteronism Type IIC. Identifiers: Orphanet 757, Orphanet 88940, MedGen C1840391, MONDO:0013778, OMIM 614492.

Allele frequency attached by ClinVar (database versions not stated): ExAC 0.00002; gnomAD exomes 0.00002 and 0.00005; TOPMed 0.00003.
gnomAD v4.1: 76 of 1,613,854 alleles (0.0047%); highest among the groups gnomAD compares: Middle Eastern, 0.016%; no homozygotes.

Submissions (2):

Labcorp Genetics (formerly Invitae), Labcorp
Classification: Uncertain significance for Neuropathy, hereditary sensory and autonomic, type 2A; Pseudohypoaldosteronism type 2C. Last evaluated: 2025-06-15. Review status: criteria provided, single submitter. Criteria: Invitae Variant Classification Sherloc (09022015). Collection method: clinical testing. Allele origin: germline.
Comment: This sequence change replaces proline, which is neutral and non-polar, with leucine, which is neutral and non-polar, at codon 805 of the WNK1 protein (p.Pro805Leu). This variant is present in population databases (rs781318799, gnomAD 0.004%). This variant has not been reported in the literature in individuals affected with WNK1-related conditions. ClinVar contains an entry for this variant (Variation ID: 1367556). Invitae Evidence Modeling of protein sequence and biophysical properties (such as structural, functional, and spatial information, amino acid conservation, physicochemical variation, residue mobility, and thermodynamic stability) indicates that this missense variant is not expected to disrupt WNK1 protein function with a negative predictive value of 95%. In summary, the available evidence is currently insufficient to determine the role of this variant in disease. Therefore, it has been classified as a Variant of Uncertain Significance.

Ambry Genetics
Classification: Uncertain significance for Inborn genetic diseases. Last evaluated: 2023-10-04. Review status: criteria provided, single submitter. Criteria: Ambry Variant Classification Scheme 2023. Collection method: clinical testing. Allele origin: germline.